The following is an entry in ClinVar:

NM_014264.5(PLK4):c.1582T>C (p.Ser528Pro)

Gene: PLK4 (polo like kinase 4; plus strand). Cytogenetic location: 4q28.1.
Variant type: single nucleotide variant.
Coding change: c.1582T>C on transcript NM_014264.5 (MANE Select); coding-DNA position 1582, T replaced by C.
Protein change: p.Ser528Pro; replaces serine 528 with proline.
Molecular consequence: missense variant.
Genome position (GRCh38, 1-based): chr4:127,889,988, T>C. VCF-style: chr4-127889988-T-C. GRCh37 (hg19) VCF-style: chr4-128811143-T-C.
Other names: c.1486T>C, p.Ser496Pro (NM_001190799.2); c.1459T>C, p.Ser487Pro (NM_001190801.2); short protein forms S487P, S528P, S496P.
Identifiers: ClinVar variation 932579 (VCV000932579.43), dbSNP rs1208135399, ClinGen allele CA358155665.

ClinVar aggregate classification (germline): Uncertain significance. Review status: criteria provided, multiple submitters, no conflicts (2 of 4 stars). 2 submissions from 2 submitters: Uncertain significance (2). Last evaluated 2020-07-01.

Allele frequency attached by ClinVar (database versions not stated): gnomAD exomes below 0.00001; TOPMed 0.00001.
gnomAD v4.1: 1 of 1,614,082 alleles (0.000062%); highest among the groups gnomAD compares: Non-Finnish European, 0.000085%; no homozygotes.

Submissions (2):

CeGaT Center for Human Genetics Tuebingen
Classification: Uncertain significance. Last evaluated: 2020-07-01. Review status: criteria provided, single submitter. Criteria: CeGaT Center For Human Genetics Tuebingen Variant Classification Criteria Version 2. Collection method: clinical testing. Allele origin: germline. Affected: yes. Observed: 1 variant allele.

Labcorp Genetics (formerly Invitae), Labcorp
Classification: Uncertain significance. Last evaluated: 2020-06-02. Review status: criteria provided, single submitter. Criteria: Invitae Variant Classification Sherloc (09022015). Collection method: clinical testing. Allele origin: germline.
Comment: In summary, the available evidence is currently insufficient to determine the role of this variant in disease. Therefore, it has been classified as a Variant of Uncertain Significance. Algorithms developed to predict the effect of missense changes on protein structure and function output the following: SIFT: "Tolerated"; PolyPhen-2: "Benign"; Align-GVGD: "Class C0". The proline amino acid residue is found in multiple mammalian species, suggesting that this missense change does not adversely affect protein function. These predictions have not been confirmed by published functional studies and their clinical significance is uncertain. This variant has not been reported in the literature in individuals with PLK4-related conditions. This variant is not present in population databases (ExAC no frequency). This sequence change replaces serine with proline at codon 528 of the PLK4 protein (p.Ser528Pro). The serine residue is weakly conserved and there is a moderate physicochemical difference between serine and proline.